The following is an entry in ClinVar:

ClinVar aggregate classification (germline): Uncertain significance (1 of 4 stars; one submission).

gnomAD v4.1: 3 of 1,469,022 alleles (0.0002%); highest among the groups gnomAD compares: African/African-American, 0.0015%; no homozygotes.

Submission:

Labcorp Genetics (formerly Invitae), Labcorp
Classification: Uncertain significance. Last evaluated: 2022-03-11. Review status: criteria provided, single submitter. Criteria: Invitae Variant Classification Sherloc (09022015). Collection method: clinical testing. Allele origin: germline.
Comment: In summary, the available evidence is currently insufficient to determine the role of this variant in disease. Therefore, it has been classified as a Variant of Uncertain Significance. Algorithms developed to predict the effect of missense changes on protein structure and function (SIFT, PolyPhen-2, Align-GVGD) all suggest that this variant is likely to be tolerated. This variant has not been reported in the literature in individuals affected with GSC-related conditions. This variant is not present in population databases (gnomAD no frequency). This sequence change replaces alanine, which is neutral and non-polar, with serine, which is neutral and polar, at codon 56 of the GSC protein (p.Ala56Ser).

NM_173849.3(GSC):c.166G>T (p.Ala56Ser)

Gene: GSC (goosecoid homeobox; minus strand). Cytogenetic location: 14q32.13.
Variant type: single nucleotide variant.
Coding change: c.166G>T on transcript NM_173849.3 (MANE Select); coding-DNA position 166, G replaced by T.
Protein change: p.Ala56Ser; replaces alanine 56 with serine.
Molecular consequence: missense variant.
Genome position (GRCh38, 1-based): chr14:94,769,850, C>A on the plus strand (G>T on the coding strand, the complement: GSC is on the minus strand). VCF-style: chr14-94769850-C-A. GRCh37 (hg19) VCF-style: chr14-95236187-C-A.
Other names: short protein forms A56S.
Identifiers: ClinVar variation 2108696 (VCV002108696.4), dbSNP rs2503563206, ClinGen allele CA391149052.